The following is an entry in ClinVar:

ClinVar aggregate classification (germline): Benign/Likely benign. Review status: criteria provided, multiple submitters, no conflicts (2 of 4 stars). 6 submissions from 6 submitters: Benign (3); Likely benign (2). 1 of the submissions does not count toward it. Last evaluated 2026-02-02.

Conditions:
EIF2AK3-related disorder. Also called: EIF2AK3-related condition.
Wolcott-Rallison dysplasia. Also called: MED-IDDM SYNDROME; Wolcott-Rallison syndrome. Identifiers: Orphanet 1667, MedGen C0432217, MONDO:0009192, OMIM 226980.

Allele frequency attached by ClinVar (database versions not stated): ESP Exome Variant Server 0.00023; gnomAD 0.00071 and 0.00098; TOPMed 0.00099; gnomAD exomes 0.00105 and 0.00203; ExAC 0.00215; 1000 Genomes Project 30x 0.00406; 1000 Genomes Project 0.00439.
gnomAD v4.1: 1,671 of 1,614,120 alleles (0.1%); highest among the groups gnomAD compares: East Asian, 3%; 25 homozygotes.

Submissions (6):

Labcorp Genetics (formerly Invitae), Labcorp
Classification: Benign. Last evaluated: 2026-02-02. Review status: criteria provided, single submitter. Criteria: Invitae Variant Classification Sherloc (09022015). Collection method: clinical testing. Allele origin: germline.

Blueprint Genetics
Classification: Likely benign. Last evaluated: 2024-11-20. Review status: criteria provided, single submitter. Criteria: ACMG Guidelines, 2015. Collection method: clinical testing. Allele origin: germline.

ARUP Laboratories, Molecular Genetics and Genomics, ARUP Laboratories
Classification: Benign for Wolcott-Rallison dysplasia. Last evaluated: 2023-08-31. Review status: criteria provided, single submitter. Criteria: ARUP Molecular Germline Variant Investigation Process 2024. Collection method: clinical testing. Allele origin: germline.

Illumina Laboratory Services, Illumina
Classification: Benign for Wolcott-Rallison dysplasia. Last evaluated: 2018-01-12. Review status: criteria provided, single submitter. Criteria: ICSL Variant Classification Criteria 13 December 2019. Collection method: clinical testing. Allele origin: germline.
Comment: This variant was observed in the ICSL laboratory as part of a predisposition screen in an ostensibly healthy population. It had not been previously curated by ICSL or reported in the Human Gene Mutation Database (HGMD: prior to June 1st, 2018), and was therefore a candidate for classification through an automated scoring system. Utilizing variant allele frequency, disease prevalence and penetrance estimates, and inheritance mode, an automated score was calculated to assess if this variant is too frequent to cause the disease. Based on the score and internal cut-off values, a variant classified as benign is not then subjected to further curation. The score for this variant resulted in a classification of benign for this disease.

Center for Pediatric Genomic Medicine, Children's Mercy Hospital and Clinics
Classification: Likely benign. Last evaluated: 2016-09-15. Review status: criteria provided, single submitter. Criteria: ACMG Guidelines, 2015. Collection method: clinical testing. Allele origin: germline.
ClinVar note: Converted during submission from Likely Benign to Likely benign.

PreventionGenetics, part of Exact Sciences
Classification: Likely benign for EIF2AK3-related condition. Last evaluated: 2023-12-11. Review status: no assertion criteria provided. Collection method: clinical testing. Allele origin: germline. Not counted in ClinVar's aggregate classification.
Comment: This variant is classified as likely benign based on ACMG/AMP sequence variant interpretation guidelines (Richards et al. 2015 PMID: 25741868, with internal and published modifications).

NM_004836.7(EIF2AK3):c.2014G>A (p.Glu672Lys)

Gene: EIF2AK3 (eukaryotic translation initiation factor 2 alpha kinase 3; minus strand). Cytogenetic location: 2p11.2.
Variant type: single nucleotide variant.
Coding change: c.2014G>A on transcript NM_004836.7 (MANE Select); coding-DNA position 2014, G replaced by A.
Protein change: p.Glu672Lys; replaces glutamic acid 672 with lysine.
Molecular consequence: missense variant.
Genome position (GRCh38, 1-based): chr2:88,576,576, C>T on the plus strand (G>A on the coding strand, the complement: EIF2AK3 is on the minus strand). VCF-style: chr2-88576576-C-T. GRCh37 (hg19) VCF-style: chr2-88876094-C-T.
Other names: c.1561G>A, p.Glu521Lys (NM_001313915.2); short protein forms E672K, E521K.
Identifiers: ClinVar variation 337410 (VCV000337410.21), dbSNP rs35226268, ClinGen allele CA1754539.